The following is an entry in ClinVar:

ClinVar aggregate classification (germline): Uncertain significance. Review status: criteria provided, multiple submitters, no conflicts (2 of 4 stars). 3 submissions from 3 submitters: Uncertain significance (2). 1 of the submissions does not count toward it. Last evaluated 2025-11-27.

Conditions:
Retinal dystrophy. Also called: Inherited retinal dystrophy. Identifiers: Orphanet 71862, MedGen C0854723, MeSH D058499, MONDO:0019118, HP:0000556.
Retinitis pigmentosa (RP). Identifiers: Orphanet 791, MedGen C0035334, MeSH D012174, MONDO:0019200, OMIM 268000. Inheritance: Autosomal dominant, autosomal recessive and X linked inheritance.

Allele frequency attached by ClinVar (database versions not stated): ExAC 0.00001; gnomAD 0.00001; gnomAD exomes 0.00001 and 0.00002; TOPMed 0.00002.
gnomAD v4.1: 17 of 1,614,052 alleles (0.0011%); highest among the groups gnomAD compares: African/African-American, 0.0027%; no homozygotes.

Submissions (3):

Labcorp Genetics (formerly Invitae), Labcorp
Classification: Uncertain significance. Last evaluated: 2025-11-27. Review status: criteria provided, single submitter. Criteria: Invitae Variant Classification Sherloc (09022015). Collection method: clinical testing. Allele origin: germline.
Comment: This sequence change replaces arginine, which is basic and polar, with cysteine, which is neutral and slightly polar, at codon 666 of the SNRNP200 protein (p.Arg666Cys). This variant is present in population databases (rs200546584, gnomAD 0.004%). This variant has not been reported in the literature in individuals affected with SNRNP200-related conditions. ClinVar contains an entry for this variant (Variation ID: 897979). Invitae Evidence Modeling of protein sequence and biophysical properties (such as structural, functional, and spatial information, amino acid conservation, physicochemical variation, residue mobility, and thermodynamic stability) has been performed for this missense variant. However, the output from this modeling did not meet the statistical confidence thresholds required to predict the impact of this variant on SNRNP200 protein function. In summary, the available evidence is currently insufficient to determine the role of this variant in disease. Therefore, it has been classified as a Variant of Uncertain Significance.

Illumina Laboratory Services, Illumina
Classification: Uncertain significance for Retinitis pigmentosa. Last evaluated: 2018-01-13. Review status: criteria provided, single submitter. Criteria: ICSL Variant Classification Criteria 13 December 2019. Collection method: clinical testing. Allele origin: germline.

Institute of Human Genetics, Univ. Regensburg, Univ. Regensburg
Classification: Likely pathogenic for Retinal dystrophy. Last evaluated: 2019-01-01. Review status: no assertion criteria provided. Criteria: ACMG Guidelines, 2015. Collection method: clinical testing. Allele origin: germline. Affected: yes. Not counted in ClinVar's aggregate classification.

NM_014014.5(SNRNP200):c.1996C>T (p.Arg666Cys)

Gene: SNRNP200 (small nuclear ribonucleoprotein U5 subunit 200; minus strand). Cytogenetic location: 2q11.2.
Variant type: single nucleotide variant.
Coding change: c.1996C>T on transcript NM_014014.5 (MANE Select); coding-DNA position 1996, C replaced by T.
Protein change: p.Arg666Cys; replaces arginine 666 with cysteine.
Molecular consequence: missense variant.
Genome position (GRCh38, 1-based): chr2:96,293,356, G>A on the plus strand (C>T on the coding strand, the complement: SNRNP200 is on the minus strand). VCF-style: chr2-96293356-G-A. GRCh37 (hg19) VCF-style: chr2-96959094-G-A.
Other names: short protein forms R666C.
Identifiers: ClinVar variation 897979 (VCV000897979.12), dbSNP rs200546584, ClinGen allele CA1778798.
Genomic context (GRCh38, chr2:96,293,356, plus strand): 5'-TGCCCAGTCTTTCCTGATACCTGTTGTCAAAGTAAAAGAGACCCTTGGCAGGGTCAACAC[G>A]TAGAAAGGTGGCTACATCTTCATAGTTGGGTAGGGTGGCACTGAGACCAATGAGTCGGAC-3'
Protein context (NP_054733.2, residues 656-676): PNYEDVATFL[Arg666Cys]VDPAKGLFYF